The following is an entry in ClinVar:

NM_001103.4(ACTN2):c.896G>A (p.Arg299His)

Gene: ACTN2 (actinin alpha 2; plus strand). Cytogenetic location: 1q43.
Variant type: single nucleotide variant.
Coding change: c.896G>A on transcript NM_001103.4 (MANE Select); coding-DNA position 896, G replaced by A.
Protein change: p.Arg299His; replaces arginine 299 with histidine.
Molecular consequence: missense variant.
Genome position (GRCh38, 1-based): chr1:236,739,321, G>A. VCF-style: chr1-236739321-G-A. GRCh37 (hg19) VCF-style: chr1-236902621-G-A.
Other names: c.896G>A, p.Arg299His (NM_001278343.2); c.272G>A, p.Arg91His (NM_001278344.2); c.896G>A (NM_001103.2); short protein forms R299H, R91H.
Identifiers: ClinVar variation 412277 (VCV000412277.21), dbSNP rs746677039, ClinGen allele CA1473002.

ClinVar aggregate classification (germline): Conflicting classifications of pathogenicity. Review status: criteria provided, conflicting classifications (1 of 4 stars). 4 submissions from 4 submitters: Uncertain significance (3); Likely benign (1). Last evaluated 2025-12-16.

Conditions:
Dilated cardiomyopathy 1AA (CMD1AA). Also called: CARDIOMYOPATHY, DILATED, 1AA, WITH OR WITHOUT LEFT VENTRICULAR NONCOMPACTION; CARDIOMYOPATHY, FAMILIAL HYPERTROPHIC, 23, WITH OR WITHOUT LEFT VENTRICULAR NONCOMPACTION; Cardiomyopathy, dilated, 1AA, with or without LVNC. Identifiers: Orphanet 154, MedGen C2677338, MONDO:0012808, OMIM 612158.
Primary familial hypertrophic cardiomyopathy (HCM). Identifiers: Orphanet 99739, MedGen C0949658, MeSH D024741, MONDO:0024573. Inheritance: Various modes of inheritance.
Myopathy, congenital, with structured cores and z-line abnormalities. Also called: CONGENITAL MYOPATHY 8; MULTIPLE STRUCTURED CORE DISEASE. Identifiers: MedGen C5231445, MONDO:0032852, OMIM 618654.
Myopathy, distal, 6, adult-onset, autosomal dominant. Identifiers: MedGen C5203349, MONDO:0032853, OMIM 618655.
Cardiovascular phenotype. Identifiers: MedGen CN230736.

Allele frequency attached by ClinVar (database versions not stated): gnomAD 0.00001; TOPMed 0.00003.

Submissions (4):

Labcorp Genetics (formerly Invitae), Labcorp
Classification: Likely benign for Primary familial hypertrophic cardiomyopathy; Dilated cardiomyopathy 1AA. Last evaluated: 2025-12-16. Review status: criteria provided, single submitter. Criteria: Invitae Variant Classification Sherloc (09022015). Collection method: clinical testing. Allele origin: germline.

GeneDx
Classification: Uncertain significance. Last evaluated: 2025-10-23. Review status: criteria provided, single submitter. Criteria: GeneDx Variant Classification Process June 2021. Collection method: clinical testing. Allele origin: germline. Affected: yes.
Comment: In silico analysis supports that this missense variant has a deleterious effect on protein structure/function; Reported in association with dilated cardiomyopathy (DCM) in published literature (PMID: 29386531); This variant is associated with the following publications: (PMID: 29386531)

Ambry Genetics
Classification: Uncertain significance for Cardiovascular phenotype. Last evaluated: 2023-08-24. Review status: criteria provided, single submitter. Criteria: Ambry Variant Classification Scheme 2023. Collection method: clinical testing. Allele origin: germline.
Comment: The p.R299H variant (also known as c.896G>A), located in coding exon 10 of the ACTN2 gene, results from a G to A substitution at nucleotide position 896. The arginine at codon 299 is replaced by histidine, an amino acid with highly similar properties. This variant has been detected in a dilated cardiomyopathy cohort; however, clinical details were not provided (Tobita T et al. Sci Rep, 2018 01;8:1998). This amino acid position is highly conserved in available vertebrate species. In addition, the in silico prediction for this alteration is inconclusive. Since supporting evidence is limited at this time, the clinical significance of this alteration remains unclear.

Fulgent Genetics
Classification: Uncertain significance for Dilated cardiomyopathy 1AA; Myopathy, congenital, with structured cores and z-line abnormalities; Myopathy, distal, 6, adult-onset, autosomal dominant. Last evaluated: 2021-08-11. Review status: criteria provided, single submitter. Criteria: ACMG Guidelines, 2015. Collection method: clinical testing. Allele origin: unknown.

Literature cited by the submitters: PubMed 29386531 (cited by Ambry Genetics).